The following is an entry in ClinVar:

NM_014921.5(ADGRL1):c.3150_3151del (p.Leu1051fs)

Genes: ADGRL1 (adhesion G protein-coupled receptor L1; minus strand), ADGRL1-AS1 (ADGRL1 antisense RNA 1; plus strand). Cytogenetic location: 19p13.12.
Variant type: Microsatellite.
Coding change: c.3150_3151del on transcript NM_014921.5 (MANE Select); coding-DNA positions 3150 to 3151, 2 bases deleted (GC; older notation c.3150_3151delGC).
Protein change: p.Leu1051fs; shifts the reading frame from leucine 1051.
Molecular consequence: frameshift variant.
Genome position (GRCh38, 1-based): chr19:14,155,502-14,155,503, GC deleted on the plus strand (GC on the coding strand, the reverse complement: ADGRL1 is on the minus strand); deleting any 2 consecutive bases within chr19:14,155,502-14,155,506 gives the same sequence; the c. name uses the placement nearest the transcript's 3' end. VCF-style (leftmost placement, unchanged base first): chr19-14155501-AGC-A. GRCh37 (hg19) VCF-style: chr19-14266313-AGC-A.
Other names: c.3165_3166del, p.Leu1056fs (NM_001008701.3); short protein forms L1051fs, L1056fs.
Identifiers: ClinVar variation 4975049 (VCV004975049.1).

ClinVar aggregate classification (germline): Uncertain significance (1 of 4 stars; one submission).

Submission:

GeneDx
Classification: Uncertain significance. Last evaluated: 2024-09-23. Review status: criteria provided, single submitter. Criteria: GeneDx Variant Classification Process June 2021. Collection method: clinical testing. Allele origin: germline.
Comment: Not observed at significant frequency in large population cohorts (gnomAD); Frameshift variant predicted to result in protein truncation or nonsense mediated decay in a gene or region of a gene for which loss of function is not a well-established mechanism of disease; Has not been previously published as pathogenic or benign to our knowledge; Variants in candidate genes are classified as variants of uncertain significance in accordance with ACMG guidelines (PMID: 25741868)